The following is an entry in ClinVar:

ClinVar aggregate classification (germline): Pathogenic/Likely pathogenic. Review status: criteria provided, multiple submitters, no conflicts (2 of 4 stars). 2 submissions from 2 submitters: Pathogenic (1); Likely pathogenic (1). Last evaluated 2023-06-20.

Conditions:
Kleefstra syndrome 1 (KLEFS1). Identifiers: Orphanet 261494, MedGen C0795833, MONDO:0027407, OMIM 610253.

Submissions (2):

Institute of Human Genetics, FAU Erlangen, Friedrich-Alexander-Universität Erlangen-Nürnberg
Classification: Likely pathogenic for Kleefstra syndrome 1. Last evaluated: 2023-06-20. Review status: criteria provided, single submitter. Criteria: Hauer et al. (Genet Med. 2018). Collection method: clinical testing. Allele origin: germline. Inheritance: Autosomal dominant inheritance. Affected: yes. Observed: 1 variant allele.
Comment: This variant has been identified by standard clinical testing. de novo Selected ACMG criteria: Likely pathogenic (II):BP1;PP3;PM2;PS2

Laboratory of Genetics, Children's Clinical University Hospital Latvia
Classification: Pathogenic for Kleefstra syndrome 1. Review status: criteria provided, single submitter. Criteria: ACMG Guidelines, 2015. Collection method: curation. Allele origin: de novo. Affected: yes.
Comment: de novo

Literature cited by the submitters: PubMed 39013458 (cited by Laboratory of Genetics, Children's Clinical University Hospital Latvia).

NM_024757.5(EHMT1):c.2618G>T (p.Gly873Val)

Gene: EHMT1 (euchromatic histone lysine methyltransferase 1; plus strand). Cytogenetic location: 9q34.3.
Variant type: single nucleotide variant.
Coding change: c.2618G>T on transcript NM_024757.5 (MANE Select); coding-DNA position 2618, G replaced by T.
Protein change: p.Gly873Val; replaces glycine 873 with valine.
Molecular consequence: missense variant.
Genome position (GRCh38, 1-based): chr9:137,800,890, G>T. VCF-style: chr9-137800890-G-T. GRCh37 (hg19) VCF-style: chr9-140695342-G-T.
Other names: c.2597G>T, p.Gly866Val (NM_001354263.2); short protein forms G866V, G873V.
Identifiers: ClinVar variation 2505509 (VCV002505509.2), dbSNP rs752983885, ClinGen allele CA375788729.